The following is an entry in ClinVar:

NM_001288705.3(CSF1R):c.2058C>T (p.Ser686=)

Gene: CSF1R (colony stimulating factor 1 receptor; minus strand). Cytogenetic location: 5q32.
Variant type: single nucleotide variant.
Coding change: c.2058C>T on transcript NM_001288705.3 (MANE Select); coding-DNA position 2058, C replaced by T.
Protein change: p.Ser686=; no amino-acid change (serine 686 retained).
Molecular consequence: synonymous variant.
Genome position (GRCh38, 1-based): chr5:150,059,774, G>A on the plus strand (C>T on the coding strand, the complement: CSF1R is on the minus strand). VCF-style: chr5-150059774-G-A. GRCh37 (hg19) VCF-style: chr5-149439337-G-A.
Other names: c.2058C>T, p.Ser686= (NM_001349736.2, NM_001375320.1, NM_005211.4); c.1614C>T, p.Ser538= (NM_001375321.1).
Identifiers: ClinVar variation 2655903 (VCV002655903.25), dbSNP rs1177452969, ClinGen allele CA447157134.

ClinVar aggregate classification (germline): Likely benign. Review status: criteria provided, multiple submitters, no conflicts (2 of 4 stars). 2 submissions from 2 submitters: Likely benign (2). Last evaluated 2025-07-11.

Allele frequency attached by ClinVar (database versions not stated): TOPMed below 0.00001.
gnomAD v4.1: 6 of 1,614,100 alleles (0.00037%); highest among the groups gnomAD compares: Non-Finnish European, 0.00051%; no homozygotes.

Submissions (2):

Labcorp Genetics (formerly Invitae), Labcorp
Classification: Likely benign. Last evaluated: 2025-07-11. Review status: criteria provided, single submitter. Criteria: Invitae Variant Classification Sherloc (09022015). Collection method: clinical testing. Allele origin: germline.

CeGaT Center for Human Genetics Tuebingen
Classification: Likely benign. Last evaluated: 2022-05-01. Review status: criteria provided, single submitter. Criteria: CeGaT Center For Human Genetics Tuebingen Variant Classification Criteria Version 2. Collection method: clinical testing. Allele origin: germline. Affected: yes. Observed: 1 variant allele.
Comment: CSF1R: BP4, BP7